The following is an entry in ClinVar:

ClinVar aggregate classification (germline): Uncertain significance (1 of 4 stars; one submission).

Conditions:
RIPOR2-related disorder. Also called: RIPOR2-related condition.

Submission:

PreventionGenetics, part of Exact Sciences
Classification: Uncertain significance for RIPOR2-related condition. Last evaluated: 2022-12-28. Review status: criteria provided, single submitter. Criteria: ACMG Guidelines, 2015. Collection method: clinical testing. Allele origin: germline.
Comment: The RIPOR2 c.1679A>C variant is predicted to result in the amino acid substitution p.Glu560Ala. To our knowledge, this variant has not been reported in the literature or in a large population database, indicating this variant is rare. At this time, the clinical significance of this variant is uncertain due to the absence of conclusive functional and genetic evidence.

NM_001286445.3(RIPOR2):c.1616A>C (p.Glu539Ala)

Gene: RIPOR2 (RHO family interacting cell polarization regulator 2; minus strand). Cytogenetic location: 6p22.3.
Variant type: single nucleotide variant.
Coding change: c.1616A>C on transcript NM_001286445.3 (MANE Select); coding-DNA position 1616, A replaced by C.
Protein change: p.Glu539Ala; replaces glutamic acid 539 with alanine.
Molecular consequence: missense variant.
Genome position (GRCh38, 1-based): chr6:24,843,103, T>G on the plus strand (A>C on the coding strand, the complement: RIPOR2 is on the minus strand). VCF-style: chr6-24843103-T-G. GRCh37 (hg19) VCF-style: chr6-24843331-T-G.
Other names: c.1631A>C, p.Glu544Ala (NM_001286446.3); c.1529A>C, p.Glu510Ala (NM_001286447.2, NM_001346031.2, NM_001346032.2 and 1 more transcripts); c.1679A>C, p.Glu560Ala (NM_014722.5); short protein forms E510A, E539A, E544A, E560A.
Identifiers: ClinVar variation 2629161 (VCV002629161.1), dbSNP rs2532676367, ClinGen allele CA362993921.